The following is an entry in ClinVar:

ClinVar aggregate classification (germline): Pathogenic (1 of 4 stars; one submission).

Conditions:
Microcephaly, normal intelligence and immunodeficiency (NBS). Also called: IMMUNODEFICIENCY, MICROCEPHALY, AND CHROMOSOMAL INSTABILITY; SEEMANOVA SYNDROME II; Nijmegen breakage syndrome; Microcephaly with normal intelligence immunodeficiency and lymphoreticular malignancies; Nonsyndromal microcephaly autosomal recessive with normal intelligence; Seemanova syndrome 2. Identifiers: Orphanet 647, MedGen C0398791, MONDO:0009623, OMIM 251260.

Submission:

Myriad Genetics, Inc.
Classification: Pathogenic for Microcephaly, normal intelligence and immunodeficiency. Last evaluated: 2024-03-02. Review status: criteria provided, single submitter. Criteria: Myriad Autosomal Dominant, Autosomal Recessive and X-Linked Classification Criteria (2023). Collection method: clinical testing. Allele origin: unknown.
Comment: NM_002485.4(NBN):c.2104delA(I702Sfs*7) is expected to be pathogenic in the context of Nijmegen breakage syndrome. This variant is predicted to lead to an abnormal or absent protein product due to the creation of a premature termination codon in NBN, a gene where loss-of-function variants are known to be pathogenic. Please note: this variant was assessed in the context of healthy population screening.

NM_002485.5(NBN):c.2104del (p.Ile702fs)

Gene: NBN (nibrin; minus strand). Cytogenetic location: 8q21.3.
Variant type: Deletion.
Coding change: c.2104del on transcript NM_002485.5 (MANE Select); coding-DNA position 2104, one base deleted (A; older notation c.2104delA).
Protein change: p.Ile702fs; shifts the reading frame from isoleucine 702.
Molecular consequence: frameshift variant.
Genome position (GRCh38, 1-based): chr8:89,943,333, T deleted on the plus strand (A on the coding strand, the reverse complement: NBN is on the minus strand). VCF-style (leftmost placement, unchanged base first): chr8-89943332-AT-A. GRCh37 (hg19) VCF-style: chr8-90955560-AT-A.
Other names: c.1858del, p.Ile620fs (NM_001024688.3, NM_001440379.1, NM_001440380.1); short protein forms I620fs, I702fs.
Identifiers: ClinVar variation 5012796 (VCV005012796.1).